The following is an entry in ClinVar:

ClinVar aggregate classification (germline): Uncertain significance (1 of 4 stars; one submission).

Conditions:
Neutropenia, severe congenital, 2, autosomal dominant. Identifiers: Orphanet 486, MedGen C2751288, MONDO:0013139, OMIM 613107.

Submission:

Labcorp Genetics (formerly Invitae), Labcorp
Classification: Uncertain significance for Neutropenia, severe congenital, 2, autosomal dominant. Last evaluated: 2023-05-20. Review status: criteria provided, single submitter. Criteria: Invitae Variant Classification Sherloc (09022015). Collection method: clinical testing. Allele origin: germline.
Comment: This variant has not been reported in the literature in individuals affected with GFI1-related conditions. This variant is not present in population databases (gnomAD no frequency). This sequence change replaces glycine, which is neutral and non-polar, with aspartic acid, which is acidic and polar, at codon 234 of the GFI1 protein (p.Gly234Asp). Advanced modeling of protein sequence and biophysical properties (such as structural, functional, and spatial information, amino acid conservation, physicochemical variation, residue mobility, and thermodynamic stability) performed at Invitae indicates that this missense variant is not expected to disrupt GFI1 protein function. In summary, the available evidence is currently insufficient to determine the role of this variant in disease. Therefore, it has been classified as a Variant of Uncertain Significance.

NM_005263.5(GFI1):c.701G>A (p.Gly234Asp)

Gene: GFI1 (growth factor independent 1 transcriptional repressor; minus strand). Cytogenetic location: 1p22.1.
Variant type: single nucleotide variant.
Coding change: c.701G>A on transcript NM_005263.5 (MANE Select); coding-DNA position 701, G replaced by A.
Protein change: p.Gly234Asp; replaces glycine 234 with aspartic acid.
Molecular consequence: missense variant.
Genome position (GRCh38, 1-based): chr1:92,480,686, C>T on the plus strand (G>A on the coding strand, the complement: GFI1 is on the minus strand). VCF-style: chr1-92480686-C-T. GRCh37 (hg19) VCF-style: chr1-92946243-C-T.
Other names: c.701G>A, p.Gly234Asp (NM_001127215.3, NM_001127216.3); short protein forms G234D.
Identifiers: ClinVar variation 2866432 (VCV002866432.3), dbSNP rs2524724766, ClinGen allele CA341149236.